The following is an entry in ClinVar:

ClinVar aggregate classification (germline): Pathogenic (1 of 4 stars; one submission).

Conditions:
Danon disease. Also called: ANTOPOL DISEASE; PSEUDOGLYCOGENOSIS II; GSD IIb; LYSOSOMAL GLYCOGEN STORAGE DISEASE WITHOUT ACID MALTASE DEFICIENCY; Glycogen Storage Disease Type IIb. Identifiers: Orphanet 34587, MedGen C0878677, MONDO:0010281, OMIM 300257.

Submission:

Labcorp Genetics (formerly Invitae), Labcorp
Classification: Pathogenic for Danon disease. Last evaluated: 2017-09-01. Review status: criteria provided, single submitter. Criteria: Invitae Variant Classification Sherloc (09022015). Collection method: clinical testing. Allele origin: germline.
Comment: A gross deletion of the genomic region encompassing the full coding sequence of the LAMP2 gene has been identified. The boundaries of this event are unknown as the deletion extends beyond the assayed region for this gene and therefore may encompass additional genes. This variant has not been reported in the literature in individuals with LAMP2-related disease. Loss-of-function variants in LAMP2 are known to be pathogenic (PMID: 21415759). For these reasons, this variant has been classified as Pathogenic.

NC_000023.11:g.(?_120428464)_(120469189_?)del

Gene: LAMP2 (lysosome associated membrane protein 2; minus strand). Cytogenetic location: Xq24.
Variant type: Deletion.
Identifiers: ClinVar variation 532015 (VCV000532015.1).